The following is an entry in ClinVar:

ClinVar aggregate classification (germline): Uncertain significance. Review status: criteria provided, multiple submitters, no conflicts (2 of 4 stars). 2 submissions from 2 submitters: Uncertain significance (2). Last evaluated 2026-07-21.

Conditions:
Hereditary cancer-predisposing syndrome. Also called: Hereditary Cancer Syndrome; Neoplastic Syndromes, Hereditary; Hereditary neoplastic syndrome; Tumor predisposition. Identifiers: Orphanet 140162, MedGen C0027672, MeSH D009386, MONDO:0015356.
Ataxia-telangiectasia syndrome (AT). Also called: ATAXIA-TELANGIECTASIA, COMPLEMENTATION GROUP A; ATAXIA-TELANGIECTASIA, FRESNO VARIANT; Cerebello-oculocutaneous telangiectasia; Immunodeficiency with ataxia telangiectasia; Ataxia-telangiectasia, complementation group E; Ataxia-telangiectasia. Identifiers: Orphanet 100, MedGen C0004135, MONDO:0008840, OMIM 208900.

Submissions (2):

Ambry Genetics
Classification: Uncertain significance for Hereditary cancer-predisposing syndrome. Last evaluated: 2026-07-21. Review status: criteria provided, single submitter. Criteria: Ambry Variant Classification Scheme 2023. Collection method: clinical testing. Allele origin: germline.
Comment: The p.F1174Y variant (also known as c.3521T>A), located in coding exon 23 of the ATM gene, results from a T to A substitution at nucleotide position 3521. The phenylalanine at codon 1174 is replaced by tyrosine, an amino acid with highly similar properties. In an assay testing ATM function, this variant showed a functionally normal result (Lee KS et al. Cell, 2025 Sep;188:5081-5099.e27). This amino acid position is highly conserved in available vertebrate species. In addition, the in silico prediction for this alteration is inconclusive. Based on the available evidence, the clinical significance of this variant remains unclear.

Labcorp Genetics (formerly Invitae), Labcorp
Classification: Uncertain significance for Ataxia-telangiectasia syndrome. Last evaluated: 2021-06-21. Review status: criteria provided, single submitter. Criteria: Invitae Variant Classification Sherloc (09022015). Collection method: clinical testing. Allele origin: germline.
Comment: In summary, the available evidence is currently insufficient to determine the role of this variant in disease. Therefore, it has been classified as a Variant of Uncertain Significance. Advanced modeling of protein sequence and biophysical properties (such as structural, functional, and spatial information, amino acid conservation, physicochemical variation, residue mobility, and thermodynamic stability) performed at Invitae indicates that this missense variant is not expected to disrupt ATM protein function. This variant has not been reported in the literature in individuals with ATM-related conditions. This variant is not present in population databases (ExAC no frequency). This sequence change replaces phenylalanine with tyrosine at codon 1174 of the ATM protein (p.Phe1174Tyr). The phenylalanine residue is highly conserved and there is a small physicochemical difference between phenylalanine and tyrosine.

Literature cited by the submitters: PubMed 40580951 (cited by Ambry Genetics).

NM_000051.4(ATM):c.3521T>A (p.Phe1174Tyr)

Gene: ATM (ATM serine/threonine kinase; plus strand). Cytogenetic location: 11q22.3.
Variant type: single nucleotide variant.
Coding change: c.3521T>A on transcript NM_000051.4 (MANE Select); coding-DNA position 3521, T replaced by A.
Protein change: p.Phe1174Tyr; replaces phenylalanine 1174 with tyrosine.
Molecular consequence: missense variant.
Genome position (GRCh38, 1-based): chr11:108,281,113, T>A. VCF-style: chr11-108281113-T-A. GRCh37 (hg19) VCF-style: chr11-108151840-T-A.
Other names: c.3521T>A, p.Phe1174Tyr (NM_001351834.2); c.3521T>A (NM_000051.3); short protein forms F1174Y.
Identifiers: ClinVar variation 1362893 (VCV001362893.9), dbSNP rs1416574870, ClinGen allele CA382520043.
Genomic context (GRCh38, chr11:108,281,113, plus strand): 5'-TACTGACGTTGATAGCTGTGGTTTTATCCTGTAGCCCTATCTGCGAAAAACAGGCTTTGT[T>A]TGCCCTGTGTAAATCTGTGAAAGAGAATGGATTAGAACCTCACCTTGTGAAAAAGGTATA-3'
Protein context (NP_000042.3, residues 1164-1184): CSPICEKQAL[Phe1174Tyr]ALCKSVKENG